The following is an entry in ClinVar:

NM_003900.5(SQSTM1):c.934A>G (p.Arg312Gly)

Gene: SQSTM1 (sequestosome 1; plus strand). Cytogenetic location: 5q35.3.
Variant type: single nucleotide variant.
Coding change: c.934A>G on transcript NM_003900.5 (MANE Select); coding-DNA position 934, A replaced by G.
Protein change: p.Arg312Gly; replaces arginine 312 with glycine.
Molecular consequence: missense variant.
Genome position (GRCh38, 1-based): chr5:179,833,211, A>G. VCF-style: chr5-179833211-A-G. GRCh37 (hg19) VCF-style: chr5-179260211-A-G.
Other names: c.682A>G, p.Arg228Gly (NM_001142298.2, NM_001142299.2); short protein forms R312G, R228G.
Identifiers: ClinVar variation 1387755 (VCV001387755.6), dbSNP rs545080321, ClinGen allele CA3600733.

ClinVar aggregate classification (germline): Uncertain significance (1 of 4 stars; one submission).

Conditions:
Frontotemporal dementia and/or amyotrophic lateral sclerosis 1 (FTDALS1). Also called: Frontotemporal dementia with motor neuron disease 1; C9orf72 Frontotemporal Dementia and/or Amyotrophic Lateral Sclerosis. Identifiers: Orphanet 275872, MedGen C5779877, MONDO:0007105, OMIM 105550.
Paget disease of bone 2, early-onset (PDB2). Also called: Paget disease of bone 2. Identifiers: MedGen C4085251, MONDO:0011183, OMIM 602080.

Allele frequency attached by ClinVar (database versions not stated): ExAC 0.00001; gnomAD exomes 0.00001; TOPMed 0.00017; gnomAD 0.00018 and 0.00020; 1000 Genomes Project 0.00040; 1000 Genomes Project 30x 0.00062.
gnomAD v4.1: 53 of 1,610,180 alleles (0.0033%); highest among the groups gnomAD compares: African/African-American, 0.071%; no homozygotes.

Submission:

Labcorp Genetics (formerly Invitae), Labcorp
Classification: Uncertain significance for Paget disease of bone 2, early-onset; Frontotemporal dementia and/or amyotrophic lateral sclerosis 1. Last evaluated: 2025-10-19. Review status: criteria provided, single submitter. Criteria: Invitae Variant Classification Sherloc (09022015). Collection method: clinical testing. Allele origin: germline.
Comment: This sequence change replaces arginine, which is basic and polar, with glycine, which is neutral and non-polar, at codon 312 of the SQSTM1 protein (p.Arg312Gly). This variant is present in population databases (rs545080321, gnomAD 0.03%). This missense change has been observed in individual(s) with frontotemporal dementia (PMID: 24042580, 24486447). ClinVar contains an entry for this variant (Variation ID: 1387755). Invitae Evidence Modeling of protein sequence and biophysical properties (such as structural, functional, and spatial information, amino acid conservation, physicochemical variation, residue mobility, and thermodynamic stability) indicates that this missense variant is not expected to disrupt SQSTM1 protein function with a negative predictive value of 80%. In summary, the available evidence is currently insufficient to determine the role of this variant in disease. Therefore, it has been classified as a Variant of Uncertain Significance.

Literature cited by the submitters: PubMed 24042580; PubMed 24486447.